The following is an entry in ClinVar:

ClinVar aggregate classification (germline): Uncertain significance (1 of 4 stars; one submission).

Conditions:
Neuropathy, hereditary sensory and autonomic, type 2A (HSAN2A). Also called: ACROOSTEOLYSIS, GIACCAI TYPE; ACROOSTEOLYSIS, NEUROGENIC; MORVAN DISEASE; NEUROPATHY, CONGENITAL SENSORY; NEUROPATHY, HEREDITARY SENSORY RADICULAR, AUTOSOMAL RECESSIVE; NEUROPATHY, HEREDITARY SENSORY, TYPE IIA. Identifiers: Orphanet 970, MedGen C2752089, MONDO:0024309, OMIM 201300.
Generalized epilepsy with febrile seizures plus, type 7 (GEFSP7). Also called: GEFS+, TYPE 7. Identifiers: Orphanet 36387, MedGen C2751778, MONDO:0013470, OMIM 613863.

Submission:

Labcorp Genetics (formerly Invitae), Labcorp
Classification: Uncertain significance for Neuropathy, hereditary sensory and autonomic, type 2A; Generalized epilepsy with febrile seizures plus, type 7. Last evaluated: 2026-01-02. Review status: criteria provided, single submitter. Criteria: Invitae Variant Classification Sherloc (09022015). Collection method: clinical testing. Allele origin: germline.
Comment: This sequence change replaces alanine, which is neutral and non-polar, with threonine, which is neutral and polar, at codon 260 of the SCN9A protein (p.Ala260Thr). This variant is not present in population databases (gnomAD no frequency). This variant has not been reported in the literature in individuals affected with SCN9A-related conditions. Invitae Evidence Modeling of protein sequence and biophysical properties (such as structural, functional, and spatial information, amino acid conservation, physicochemical variation, residue mobility, and thermodynamic stability) has been performed for this missense variant. However, the output from this modeling did not meet the statistical confidence thresholds required to predict the impact of this variant on SCN9A protein function. In summary, the available evidence is currently insufficient to determine the role of this variant in disease. Therefore, it has been classified as a Variant of Uncertain Significance.

NM_001365536.1(SCN9A):c.778G>A (p.Ala260Thr)

Gene: SCN9A (sodium voltage-gated channel alpha subunit 9; minus strand). Cytogenetic location: 2q24.3.
Variant type: single nucleotide variant.
Coding change: c.778G>A on transcript NM_001365536.1 (MANE Select); coding-DNA position 778, G replaced by A.
Protein change: p.Ala260Thr; replaces alanine 260 with threonine.
Molecular consequence: missense variant.
Genome position (GRCh38, 1-based): chr2:166,303,213, C>T on the plus strand (G>A on the coding strand, the complement: SCN9A is on the minus strand). VCF-style: chr2-166303213-C-T. GRCh37 (hg19) VCF-style: chr2-167159723-C-T.
Other names: c.778G>A, p.Ala260Thr (NM_002977.4); short protein forms A260T.
Identifiers: ClinVar variation 4792751 (VCV004792751.1).